The following is an entry in ClinVar:

NM_001379286.1(ZNF423):c.49G>A (p.Gly17Arg)

Gene: ZNF423 (zinc finger protein 423; minus strand). Cytogenetic location: 16q12.1.
Variant type: single nucleotide variant.
Coding change: c.49G>A on transcript NM_001379286.1 (MANE Select); coding-DNA position 49, G replaced by A.
Protein change: p.Gly17Arg; replaces glycine 17 with arginine.
Molecular consequence: missense variant. On other transcripts: 5 prime UTR variant (1).
Genome position (GRCh38, 1-based): chr16:49,789,538, C>T on the plus strand (G>A on the coding strand, the complement: ZNF423 is on the minus strand). VCF-style: chr16-49789538-C-T. GRCh37 (hg19) VCF-style: chr16-49823449-C-T.
Other names: c.-156G>A (NM_001271620.2); c.25G>A, p.Gly9Arg (NM_015069.5); short protein forms G17R, G9R.
Identifiers: ClinVar variation 2629079 (VCV002629079.1), dbSNP rs377498042, ClinGen allele CA8046988.

ClinVar aggregate classification (germline): Uncertain significance (1 of 4 stars; one submission).

Conditions:
ZNF423-related disorder. Also called: ZNF423-related condition.

Allele frequency attached by ClinVar (database versions not stated): ExAC 0.00001; ESP Exome Variant Server 0.00008.
gnomAD v4.1: 15 of 1,611,936 alleles (0.00093%); highest among the groups gnomAD compares: Middle Eastern, 0.05%; no homozygotes.

Submission:

PreventionGenetics, part of Exact Sciences
Classification: Uncertain significance for ZNF423-related condition. Last evaluated: 2023-02-16. Review status: criteria provided, single submitter. Criteria: ACMG Guidelines, 2015. Collection method: clinical testing. Allele origin: germline.
Comment: The ZNF423 c.25G>A variant is predicted to result in the amino acid substitution p.Gly9Arg. To our knowledge, this variant has not been reported in the literature. This variant is reported in 0.0031% of alleles in individuals of European (Non-Finnish) descent in gnomAD. At this time, the clinical significance of this variant is uncertain due to the absence of conclusive functional and genetic evidence.